The following is an entry in ClinVar:

ClinVar aggregate classification (germline): Uncertain significance. Review status: criteria provided, multiple submitters, no conflicts (2 of 4 stars). 2 submissions from 2 submitters: Uncertain significance (2). Last evaluated 2024-10-24.

Conditions:
Inborn genetic diseases. Identifiers: MedGen C0950123, MeSH D030342.

Allele frequency attached by ClinVar (database versions not stated): gnomAD exomes 0.00003; ExAC 0.00008.
gnomAD v4.1: 23 of 1,614,030 alleles (0.0014%); highest among the groups gnomAD compares: East Asian, 0.0022%; no homozygotes.

Submissions (2):

Labcorp Genetics (formerly Invitae), Labcorp
Classification: Uncertain significance. Last evaluated: 2024-10-24. Review status: criteria provided, single submitter. Criteria: Invitae Variant Classification Sherloc (09022015). Collection method: clinical testing. Allele origin: germline.
Comment: This sequence change replaces alanine, which is neutral and non-polar, with valine, which is neutral and non-polar, at codon 1879 of the ITPR1 protein (p.Ala1879Val). This variant is present in population databases (rs762273738, gnomAD 0.01%). This variant has not been reported in the literature in individuals affected with ITPR1-related conditions. ClinVar contains an entry for this variant (Variation ID: 1971918). Invitae Evidence Modeling of protein sequence and biophysical properties (such as structural, functional, and spatial information, amino acid conservation, physicochemical variation, residue mobility, and thermodynamic stability) indicates that this missense variant is not expected to disrupt ITPR1 protein function with a negative predictive value of 95%. In summary, the available evidence is currently insufficient to determine the role of this variant in disease. Therefore, it has been classified as a Variant of Uncertain Significance.

Ambry Genetics
Classification: Uncertain significance for Inborn genetic diseases. Last evaluated: 2024-01-03. Review status: criteria provided, single submitter. Criteria: Ambry Variant Classification Scheme 2023. Collection method: clinical testing. Allele origin: germline.

NM_001378452.1(ITPR1):c.5825C>T (p.Ala1942Val)

Gene: ITPR1 (inositol 1,4,5-trisphosphate receptor type 1; plus strand). Cytogenetic location: 3p26.1.
Variant type: single nucleotide variant.
Coding change: c.5825C>T on transcript NM_001378452.1 (MANE Select); coding-DNA position 5825, C replaced by T.
Protein change: p.Ala1942Val; replaces alanine 1942 with valine.
Molecular consequence: missense variant.
Genome position (GRCh38, 1-based): chr3:4,768,610, C>T. VCF-style: chr3-4768610-C-T. GRCh37 (hg19) VCF-style: chr3-4810294-C-T.
Other names: c.5681C>T, p.Ala1894Val (NM_001099952.4); c.5780C>T, p.Ala1927Val (NM_001168272.2); c.5636C>T, p.Ala1879Val (NM_002222.7); c.5636C>T (NM_002222.5); short protein forms A1927V, A1879V, A1894V, A1942V.
Identifiers: ClinVar variation 1971918 (VCV001971918.6), dbSNP rs762273738, ClinGen allele CA2232436.